The following is an entry in ClinVar:

ClinVar aggregate classification (germline): Likely benign (0 of 4 stars; one submission).

Conditions:
PLXNA1-related disorder. Also called: PLXNA1-related condition.

Allele frequency attached by ClinVar (database versions not stated): ExAC 0.00003; TOPMed 0.00003; gnomAD 0.00005.
gnomAD v4.1: 174 of 1,613,412 alleles (0.011%); highest among the groups gnomAD compares: East Asian, 0.018%; no homozygotes.

Submission:

PreventionGenetics, part of Exact Sciences
Classification: Likely benign for PLXNA1-related condition. Last evaluated: 2023-12-14. Review status: no assertion criteria provided. Collection method: clinical testing. Allele origin: germline.
Comment: This variant is classified as likely benign based on ACMG/AMP sequence variant interpretation guidelines (Richards et al. 2015 PMID: 25741868, with internal and published modifications).

NM_032242.4(PLXNA1):c.4932G>A (p.Thr1644=)

Gene: PLXNA1 (plexin A1; plus strand). Cytogenetic location: 3q21.3.
Variant type: single nucleotide variant.
Coding change: c.4932G>A on transcript NM_032242.4 (MANE Select); coding-DNA position 4932, G replaced by A.
Protein change: p.Thr1644=; no amino-acid change (threonine 1644 retained).
Molecular consequence: synonymous variant.
Genome position (GRCh38, 1-based): chr3:127,029,935, G>A. VCF-style: chr3-127029935-G-A. GRCh37 (hg19) VCF-style: chr3-126748778-G-A.
Identifiers: ClinVar variation 3030654 (VCV003030654.2), dbSNP rs778919255, ClinGen allele CA2594571.